The following is an entry in ClinVar:

ClinVar aggregate classification (germline): Likely pathogenic (1 of 4 stars; one submission).

Conditions:
Dystonia 28, childhood-onset (DYT28). Also called: KMT2B-Related Dystonia (DYT-KMT2B). Identifiers: Orphanet 589618, MedGen C4310633, MONDO:0015004, OMIM 617284.

Submission:

Rady Children's Institute for Genomic Medicine, Rady Children's Hospital San Diego
Classification: Likely pathogenic for DYSTONIA 28, CHILDHOOD-ONSET. Last evaluated: 2018-06-08. Review status: criteria provided, single submitter. Criteria: ACMG Guidelines, 2015. Collection method: clinical testing. Allele origin: germline. Affected: yes. Observed: 1 variant allele.
Comment: This variant has not been previously reported or functionally characterized in the literature to our knowledge. It is absent from the ExAC and gnomAD population databases and thus is presumed to be rare. The c.4960T>C (p.Cys1654Arg) variant is predicted by multiple in silico tools to have a deleterious effect on protein function. Based on the available evidence, the c.4960T>C (p.Cys1654Arg) variant is classified as likely pathogenic; however, the possibility that it is a rare benign variant cannot be excluded.

NM_014727.3(KMT2B):c.4960T>C (p.Cys1654Arg)

Gene: KMT2B (lysine methyltransferase 2B; plus strand). Cytogenetic location: 19q13.12.
Variant type: single nucleotide variant.
Coding change: c.4960T>C on transcript NM_014727.3 (MANE Select); coding-DNA position 4960, T replaced by C.
Protein change: p.Cys1654Arg; replaces cysteine 1654 with arginine.
Molecular consequence: missense variant.
Genome position (GRCh38, 1-based): chr19:35,730,009, T>C. VCF-style: chr19-35730009-T-C. GRCh37 (hg19) VCF-style: chr19-36220910-T-C.
Other names: short protein forms C1654R.
Identifiers: ClinVar variation 692033 (VCV000692033.1), dbSNP rs1599689373, ClinGen allele CA405418832.